The following is an entry in ClinVar:

ClinVar aggregate classification (germline): Uncertain significance (1 of 4 stars; one submission).

Allele frequency attached by ClinVar (database versions not stated): TOPMed below 0.00001.

Submission:

Labcorp Genetics (formerly Invitae), Labcorp
Classification: Uncertain significance. Last evaluated: 2022-12-01. Review status: criteria provided, single submitter. Criteria: Invitae Variant Classification Sherloc (09022015). Collection method: clinical testing. Allele origin: germline.
Comment: In summary, the available evidence is currently insufficient to determine the role of this variant in disease. Therefore, it has been classified as a Variant of Uncertain Significance. Algorithms developed to predict the effect of missense changes on protein structure and function are either unavailable or do not agree on the potential impact of this missense change (SIFT: "Deleterious"; PolyPhen-2: "Benign"; Align-GVGD: "Class C0"). This variant has not been reported in the literature in individuals affected with GRM1-related conditions. This variant is not present in population databases (gnomAD no frequency). This sequence change replaces proline, which is neutral and non-polar, with leucine, which is neutral and non-polar, at codon 1162 of the GRM1 protein (p.Pro1162Leu).

NM_001278064.2(GRM1):c.3485C>T (p.Pro1162Leu)

Gene: GRM1 (glutamate metabotropic receptor 1; plus strand). Cytogenetic location: 6q24.3.
Variant type: single nucleotide variant.
Coding change: c.3485C>T on transcript NM_001278064.2 (MANE Select); coding-DNA position 3485, C replaced by T.
Protein change: p.Pro1162Leu; replaces proline 1162 with leucine.
Molecular consequence: missense variant. On other transcripts: 3 prime UTR variant (3).
Genome position (GRCh38, 1-based): chr6:146,434,696, C>T. VCF-style: chr6-146434696-C-T. GRCh37 (hg19) VCF-style: chr6-146755832-C-T.
Other names: c.*849C>T (NM_001278065.2); c.*814C>T (NM_001278066.1); c.*723C>T (NM_001278067.1); short protein forms P1162L.
Identifiers: ClinVar variation 2037478 (VCV002037478.4), dbSNP rs1583497189, ClinGen allele CA366193898.
Genomic context (GRCh38, chr6:146,434,696, plus strand): 5'-CGCCTGCGCTGACGCCTCCGTCGCCTTTCCGCGACTCGGTGGCCTCGGGCAGCTCGGTGC[C>T]CAGCTCCCCCGTGTCCGAGTCGGTGCTCTGCACCCCTCCCAACGTATCCTACGCCTCTGT-3'
Protein context (NP_001264993.1, residues 1152-1172): RDSVASGSSV[Pro1162Leu]SSPVSESVLC